The following is an entry in ClinVar:

ClinVar aggregate classification (germline): Uncertain significance. Review status: criteria provided, multiple submitters, no conflicts (2 of 4 stars). 2 submissions from 2 submitters: Uncertain significance (2). Last evaluated 2025-10-28.

Conditions:
Inborn genetic diseases. Identifiers: MedGen C0950123, MeSH D030342.

Allele frequency attached by ClinVar (database versions not stated): gnomAD exomes 0.00004; gnomAD 0.00007; ExAC 0.00013.
gnomAD v4.1: 75 of 1,613,740 alleles (0.0046%); highest among the groups gnomAD compares: Middle Eastern, 0.066%; no homozygotes.

Submissions (2):

Labcorp Genetics (formerly Invitae), Labcorp
Classification: Uncertain significance. Last evaluated: 2025-10-28. Review status: criteria provided, single submitter. Criteria: Invitae Variant Classification Sherloc (09022015). Collection method: clinical testing. Allele origin: germline.
Comment: This sequence change replaces arginine, which is basic and polar, with glutamine, which is neutral and polar, at codon 2347 of the ACAN protein (p.Arg2347Gln). This variant is present in population databases (rs747182944, gnomAD 0.01%). This variant has not been reported in the literature in individuals affected with ACAN-related conditions. ClinVar contains an entry for this variant (Variation ID: 2887944). An algorithm developed to predict the effect of missense changes on protein structure and function outputs the following: PolyPhen-2: "Benign". The glutamine amino acid residue is found in multiple mammalian species, which suggests that this missense change does not adversely affect protein function. In summary, the available evidence is currently insufficient to determine the role of this variant in disease. Therefore, it has been classified as a Variant of Uncertain Significance.

Ambry Genetics
Classification: Uncertain significance for Inborn genetic diseases. Last evaluated: 2024-03-15. Review status: criteria provided, single submitter. Criteria: Ambry Variant Classification Scheme 2023. Collection method: clinical testing. Allele origin: germline.

NM_001369268.1(ACAN):c.7154G>A (p.Arg2385Gln)

Gene: ACAN (aggrecan; plus strand). Cytogenetic location: 15q26.1.
Variant type: single nucleotide variant.
Coding change: c.7154G>A on transcript NM_001369268.1 (MANE Select); coding-DNA position 7154, G replaced by A.
Protein change: p.Arg2385Gln; replaces arginine 2385 with glutamine.
Molecular consequence: missense variant.
Genome position (GRCh38, 1-based): chr15:88,871,475, G>A. VCF-style: chr15-88871475-G-A. GRCh37 (hg19) VCF-style: chr15-89414706-G-A.
Other names: c.6926G>A, p.Arg2309Gln (NM_001135.4, NM_001411096.1); c.7040G>A, p.Arg2347Gln (NM_001411097.1, NM_013227.4); c.7040G>A (NM_013227.3); short protein forms R2385Q, R2309Q, R2347Q.
Identifiers: ClinVar variation 2887944 (VCV002887944.4), dbSNP rs747182944, ClinGen allele CA7720575.